The following is an entry in ClinVar:

NM_006915.3(RP2):c.142G>A (p.Glu48Lys)

Gene: RP2 (RP2 activator of ARL3 GTPase; plus strand). Cytogenetic location: Xp11.3.
Variant type: single nucleotide variant.
Coding change: c.142G>A on transcript NM_006915.3 (MANE Select); coding-DNA position 142, G replaced by A.
Protein change: p.Glu48Lys; replaces glutamic acid 48 with lysine.
Molecular consequence: missense variant.
Genome position (GRCh38, 1-based): chrX:46,853,515, G>A. VCF-style: chrX-46853515-G-A. GRCh37 (hg19) VCF-style: chrX-46712950-G-A.
Other names: c.142G>A (NM_006915.2); short protein forms E48K.
Identifiers: ClinVar variation 1047711 (VCV001047711.10), dbSNP rs1242455423, ClinGen allele CA413038872.
Genomic context (GRCh38, chrX:46,853,515, plus strand): 5'-GTCTGTGTTTTGTTCCTGCAGGTTGATCCAAAAGACTACATGTTCAGTGGACTGAAGGAT[G>A]AAACAGTAGGTCGCTTACCTGGGACGGTAGCAGGACAACAGTTTCTCATTCAAGACTGTG-3'
Protein context (NP_008846.2, residues 38-58): KDYMFSGLKD[Glu48Lys]TVGRLPGTVA

ClinVar aggregate classification (germline): Uncertain significance. Review status: criteria provided, multiple submitters, no conflicts (2 of 4 stars). 4 submissions from 4 submitters: Uncertain significance (4). Last evaluated 2025-09-28.

Conditions:
RP2-related disorder. Also called: RP2-related condition.

Allele frequency attached by ClinVar (database versions not stated): gnomAD exomes below 0.00001 and 0.00001; gnomAD 0.00002; TOPMed 0.00004.
gnomAD v4.1: 6 of 1,209,042 alleles (0.0005%); highest among the groups gnomAD compares: African/African-American, 0.0087%; no homozygotes.

Submissions (4):

PreventionGenetics, part of Exact Sciences
Classification: Uncertain significance for RP2-related condition. Last evaluated: 2025-09-28. Review status: criteria provided, single submitter. Criteria: ACMG Guidelines, 2015. Collection method: clinical testing. Allele origin: germline.
Comment: The RP2 c.142G>A variant is predicted to result in the amino acid substitution p.Glu48Lys. To our knowledge, this variant has not been reported in the literature. This variant is reported in 0.011% of alleles in individuals of African descent in gnomAD v2. However, in gnomAD v4 (available only on GRCh38), this variant is reported in 0.0087% of alleles in individuals of African descent, including zero homozygotes. At this time, the clinical significance of this variant is uncertain due to the absence of conclusive functional and genetic evidence.

Dasa
Classification: Uncertain significance. Last evaluated: 2025-01-05. Review status: criteria provided, single submitter. Criteria: DASA Assertion Criteria. Collection method: clinical testing. Allele origin: germline.
Comment: NM_006915.3(RP2):c.142G>A (p.Glu48Lys) is a missense variant that results in the substitution of glutamic acid with lysine. This variant is rare in population databases. Computational prediction algorithms are consistent with a benign effect. The currently available literature and clinical evidence are not sufficient to establish a definitive association between this variant and the reported condition. Therefore, this variant is classified as a variant of uncertain significance.

Labcorp Genetics (formerly Invitae), Labcorp
Classification: Uncertain significance. Last evaluated: 2021-08-30. Review status: criteria provided, single submitter. Criteria: Invitae Variant Classification Sherloc (09022015). Collection method: clinical testing. Allele origin: germline.
Comment: This sequence change replaces glutamic acid with lysine at codon 48 of the RP2 protein (p.Glu48Lys). The glutamic acid residue is moderately conserved and there is a small physicochemical difference between glutamic acid and lysine. This variant is not present in population databases (ExAC no frequency). This variant has not been reported in the literature in individuals affected with RP2-related conditions. Algorithms developed to predict the effect of missense changes on protein structure and function (SIFT, PolyPhen-2, Align-GVGD) all suggest that this variant is likely to be tolerated. In summary, the available evidence is currently insufficient to determine the role of this variant in disease. Therefore, it has been classified as a Variant of Uncertain Significance.

Blueprint Genetics
Classification: Uncertain significance. Last evaluated: 2017-10-12. Review status: criteria provided, single submitter. Criteria: ACMG Guidelines, 2015. Collection method: clinical testing. Allele origin: germline.